The following is an entry in ClinVar:

ClinVar aggregate classification (germline): Pathogenic (1 of 4 stars; one submission).

Submission:

ISCA site 17
Classification: Pathogenic. Last evaluated: 2011-08-12. Review status: criteria provided, single submitter. Criteria: Kaminsky et al. (Genet Med. 2011). Collection method: clinical testing. Allele origin: unknown. Affected: yes. Observed: 1 variant allele.
Comment: Copy number variation identified through the course of routine clinical cytogenomic testing in postnatal populations. Clinical assertions have been curated as described in Kaminsky et al. 2011.

GRCh38/hg38 2q22.3(chr2:144164576-144505879)x1

Genes: GTDC1 (glycosyltransferase like domain containing 1; minus strand), ZEB2 (zinc finger E-box binding homeobox 2; minus strand), LOC110120671 (VISTA enhancer hs407; plus strand), LOC111721705 (skeletal muscle cis-regulatory module overlapping ZEB2; plus strand), LOC112806051 (Sharpr-MPRA regulatory region 3137; plus strand) and 7 more. Cytogenetic location: 2q22.3.
Variant type: copy number loss.
Change: copy number 1 (one copy instead of two) of chr2:144,164,576-144,505,879 (341.3 kb, GRCh38 coordinates, 1-based), cytogenetic band 2q22.3.
Identifiers: ClinVar variation 60215 (VCV000060215.1).